The following is an entry in ClinVar:

ClinVar aggregate classification (germline): Uncertain significance (1 of 4 stars; one submission).

gnomAD v4.1: 1 of 1,614,214 alleles (0.000062%); highest among the groups gnomAD compares: East Asian, 0.0022%; no homozygotes.

Submission:

Dasa
Classification: Uncertain significance. Last evaluated: 2025-11-10. Review status: criteria provided, single submitter. Criteria: DASA Assertion Criteria. Collection method: clinical testing. Allele origin: germline.
Comment: NM_182641.4(BPTF):c.3761A>G (p.His1254Arg) is a missense variant that results in the substitution of histidine with arginine. This variant is rare in population databases. Computational prediction algorithms are consistent with a benign effect. The currently available literature and clinical evidence are not sufficient to establish a definitive association between this variant and the reported condition. Therefore, this variant is classified as a variant of uncertain significance.

NM_182641.4(BPTF):c.3761A>G (p.His1254Arg)

Gene: BPTF (bromodomain PHD finger transcription factor; plus strand). Cytogenetic location: 17q24.2.
Variant type: single nucleotide variant.
Coding change: c.3761A>G on transcript NM_182641.4 (MANE Select); coding-DNA position 3761, A replaced by G.
Protein change: p.His1254Arg; replaces histidine 1254 with arginine.
Molecular consequence: missense variant.
Genome position (GRCh38, 1-based): chr17:67,911,645, A>G. VCF-style: chr17-67911645-A-G. GRCh37 (hg19) VCF-style: chr17-65907761-A-G.
Other names: c.3950A>G, p.His1317Arg (NM_001439139.1, NM_001439141.1, NM_001439143.1 and 1 more transcripts); c.4139A>G, p.His1380Arg (NM_001439140.1, NM_001439142.1, NM_004459.7); short protein forms H1254R, H1317R, H1380R.
Identifiers: ClinVar variation 4883451 (VCV004883451.2).